The following is an entry in ClinVar:

NM_005359.6(SMAD4):c.481G>A (p.Glu161Lys)

Gene: SMAD4 (SMAD family member 4; plus strand). Cytogenetic location: 18q21.2.
Variant type: single nucleotide variant.
Coding change: c.481G>A on transcript NM_005359.6 (MANE Select); coding-DNA position 481, G replaced by A.
Protein change: p.Glu161Lys; replaces glutamic acid 161 with lysine.
Molecular consequence: missense variant. On other transcripts: non-coding transcript variant (2).
Genome position (GRCh38, 1-based): chr18:51,054,807, G>A. VCF-style: chr18-51054807-G-A. GRCh37 (hg19) VCF-style: chr18-48581177-G-A.
Other names: c.481G>A, p.Glu161Lys (NM_001407042.1, NM_001407043.1, NM_001407041.1); short protein forms E161K.
Identifiers: ClinVar variation 5029756 (VCV005029756.1).

ClinVar aggregate classification (germline): Uncertain significance (1 of 4 stars; one submission).

Conditions:
Familial thoracic aortic aneurysm and aortic dissection (TAAD). Also called: Thoracic aortic aneurysms and dissections. Identifiers: Orphanet 91387, MedGen C4707243, MONDO:0019625.
Hereditary cancer-predisposing syndrome. Also called: Neoplastic Syndromes, Hereditary; Tumor predisposition; Hereditary neoplastic syndrome; Hereditary Cancer Syndrome. Identifiers: Orphanet 140162, MedGen C0027672, MeSH D009386, MONDO:0015356.

gnomAD v4.1: 2 of 1,613,308 alleles (0.00012%); highest among the groups gnomAD compares: South Asian, 0.0011%; no homozygotes.

Submission:

Ambry Genetics
Classification: Uncertain significance for Hereditary cancer-predisposing syndrome; Familial thoracic aortic aneurysm and aortic dissection. Last evaluated: 2026-08-04. Review status: criteria provided, single submitter. Criteria: Ambry Variant Classification Scheme 2023. Collection method: clinical testing. Allele origin: germline.
Comment: The p.E161K variant (also known as c.481G>A), located in coding exon 4 of the SMAD4 gene, results from a G to A substitution at nucleotide position 481. The glutamic acid at codon 161 is replaced by lysine, an amino acid with similar properties. This amino acid position is highly conserved in available vertebrate species. In addition, this alteration is predicted to be deleterious by in silico analysis. Based on the available evidence, the clinical significance of this variant remains unclear.